The following is an entry in ClinVar:

NM_024665.7(TBL1XR1):c.961A>G (p.Thr321Ala)

Genes: TBL1XR1 (TBL1X/Y related 1; minus strand), TBL1XR1-AS1 (TBL1XR1 antisense RNA 1; plus strand), LOC126806878 (CDK7 strongly-dependent group 2 enhancer GRCh37_chr3:176755168-176756367; plus strand). Cytogenetic location: 3q26.32.
Variant type: single nucleotide variant.
Coding change: c.961A>G on transcript NM_024665.7 (MANE Select); coding-DNA position 961, A replaced by G.
Protein change: p.Thr321Ala; replaces threonine 321 with alanine.
Molecular consequence: missense variant.
Genome position (GRCh38, 1-based): chr3:177,038,399, T>C on the plus strand (A>G on the coding strand, the complement: TBL1XR1 is on the minus strand). VCF-style: chr3-177038399-T-C. GRCh37 (hg19) VCF-style: chr3-176756187-T-C.
Other names: c.961A>G (NM_024665.5, NM_024665.4); c.961A>G, p.Thr321Ala (NM_001321193.3, NM_001321194.3, NM_001374327.1 and 2 more transcripts); c.700A>G, p.Thr234Ala (NM_001321195.3, NM_001374330.1); short protein forms T321A, T234A.
Identifiers: ClinVar variation 1403806 (VCV001403806.12), dbSNP rs753108357, ClinGen allele CA89087861.

ClinVar aggregate classification (germline): Uncertain significance. Review status: criteria provided, multiple submitters, no conflicts (2 of 4 stars). 4 submissions from 4 submitters: Uncertain significance (4). Last evaluated 2025-12-18.

Conditions:
Pierpont syndrome (PRPTS). Identifiers: Orphanet 487825, MedGen C1865644, MONDO:0011213, OMIM 602342.
Cleft lip/palate. Also called: Cleft lip and palate. Identifiers: Orphanet 199306, MedGen C0158646, MONDO:0016044.
Inborn genetic diseases. Identifiers: MedGen C0950123, MeSH D030342.

Allele frequency attached by ClinVar (database versions not stated): gnomAD exomes 0.00001 and 0.00005; gnomAD 0.00002; TOPMed 0.00003.
gnomAD v4.1: 77 of 1,572,694 alleles (0.0049%); highest among the groups gnomAD compares: Non-Finnish European, 0.0066%; no homozygotes.

Submissions (4):

Ambry Genetics
Classification: Uncertain significance for Inborn genetic diseases. Last evaluated: 2025-12-18. Review status: criteria provided, single submitter. Criteria: Ambry Variant Classification Scheme 2023. Collection method: clinical testing. Allele origin: germline.
Comment: The c.961A>G (p.T321A) alteration is located in exon 11 (coding exon 9) of the TBL1XR1 gene. This alteration results from a A to G substitution at nucleotide position 961, causing the threonine (T) at amino acid position 321 to be replaced by an alanine (A). Based on data from gnomAD, the G allele has an overall frequency of 0.001% (2/193472) total alleles studied. The highest observed frequency was 0.002% (2/82528) of European (non-Finnish) alleles. Based on insufficient or conflicting evidence, the clinical significance of this alteration remains unclear.

Women's Health and Genetics/Laboratory Corporation of America, LabCorp
Classification: Uncertain significance. Last evaluated: 2025-01-03. Review status: criteria provided, single submitter. Criteria: LabCorp Variant Classification Summary - May 2015. Collection method: clinical testing. Allele origin: germline.
Comment: Variant summary: TBL1XR1 c.961A>G (p.Thr321Ala) results in a non-conservative amino acid change in the encoded protein sequence. Three of five in-silico tools predict a benign effect of the variant on protein function. The variant allele was found at a frequency of 1e-05 in 193472 control chromosomes. The available data on variant occurrences in the general population are insufficient to allow any conclusion about variant significance. To our knowledge, no occurrence of c.961A>G in individuals affected with Intellectual Disability, Autosomal Dominant 41 and no experimental evidence demonstrating its impact on protein function have been reported. ClinVar contains an entry for this variant (Variation ID: 1403806). Based on the evidence outlined above, the variant was classified as uncertain significance.

Labcorp Genetics (formerly Invitae), Labcorp
Classification: Uncertain significance for Pierpont syndrome. Last evaluated: 2024-04-03. Review status: criteria provided, single submitter. Criteria: Invitae Variant Classification Sherloc (09022015). Collection method: clinical testing. Allele origin: germline.
Comment: This sequence change replaces threonine, which is neutral and polar, with alanine, which is neutral and non-polar, at codon 321 of the TBL1XR1 protein (p.Thr321Ala). This variant is present in population databases (rs753108357, gnomAD 0.002%). This variant has not been reported in the literature in individuals affected with TBL1XR1-related conditions. ClinVar contains an entry for this variant (Variation ID: 1403806). Advanced modeling of protein sequence and biophysical properties (such as structural, functional, and spatial information, amino acid conservation, physicochemical variation, residue mobility, and thermodynamic stability) performed at Invitae indicates that this missense variant is not expected to disrupt TBL1XR1 protein function with a negative predictive value of 95%. In summary, the available evidence is currently insufficient to determine the role of this variant in disease. Therefore, it has been classified as a Variant of Uncertain Significance.

Cambridge Genomics Laboratory, East Genomic Laboratory Hub, NHS Genomic Medicine Service
Classification: Uncertain significance for Cleft lip/palate. Last evaluated: 2019-12-12. Review status: criteria provided, single submitter. Criteria: ACGS Best Practice Guidelines for Variant Classification in Rare Disease 2020. Collection method: clinical testing. Allele origin: germline. Affected: yes. Observed: 1 variant allele.

Literature cited by the submitters: PubMed 26740553 (cited by Women's Health and Genetics/Laboratory Corporation of America, LabCorp).